The following is an entry in ClinVar:

NM_004415.4(DSP):c.3541G>T (p.Glu1181Ter)

Gene: DSP (desmoplakin; plus strand). Cytogenetic location: 6p24.3.
Variant type: single nucleotide variant.
Coding change: c.3541G>T on transcript NM_004415.4 (MANE Select); coding-DNA position 3541, G replaced by T.
Protein change: p.Glu1181Ter; replaces glutamic acid 1181 with a stop codon.
Molecular consequence: nonsense.
Genome position (GRCh38, 1-based): chr6:7,579,731, G>T. VCF-style: chr6-7579731-G-T. GRCh37 (hg19) VCF-style: chr6-7579964-G-T.
Other names: c.3541G>T, p.Glu1181Ter (NM_001008844.3, NM_001319034.2); short protein forms E1181*.
Identifiers: ClinVar variation 2933339 (VCV002933339.3), dbSNP rs2533924243, ClinGen allele CA362684297.
Genomic context (GRCh38, chr6:7,579,731, plus strand): 5'-GAGAAAGCCATCAAGGAGAAGGAGTACGAGATTGAAAGGTTGAGGGTTCTACTGCAGGAA[G>T]AAGGCACCCGGAAGAGAGAATATGAAAATGAGCTGGCAAAGGTAAGAAACCACTATAATG-3'

ClinVar aggregate classification (germline): Pathogenic (1 of 4 stars; one submission).

Conditions:
Arrhythmogenic cardiomyopathy with wooly hair and keratoderma. Also called: PALMOPLANTAR KERATODERMA WITH LEFT VENTRICULAR CARDIOMYOPATHY AND WOOLLY HAIR; Carvajal syndrome; Arrhythmogenic cardiomyopathy with woolly hair and keratoderma; Dilated cardiomyopathy with woolly hair and keratoderma. Identifiers: Orphanet 65282, MedGen C1854063, MONDO:0011581, OMIM 605676.
Arrhythmogenic right ventricular dysplasia 8 (ARVD8). Also called: Arrhythmogenic Right Ventricular Dysplasia/Cardiomyopathy 8; ARRHYTHMOGENIC RIGHT VENTRICULAR DYSPLASIA, FAMILIAL, 8; ARRHYTHMOGENIC RIGHT VENTRICULAR CARDIOMYOPATHY 8. Identifiers: MedGen C1843896, MONDO:0011831, OMIM 607450.

Submission:

Labcorp Genetics (formerly Invitae), Labcorp
Classification: Pathogenic for Arrhythmogenic cardiomyopathy with wooly hair and keratoderma; Arrhythmogenic right ventricular dysplasia 8. Last evaluated: 2024-01-08. Review status: criteria provided, single submitter. Criteria: Invitae Variant Classification Sherloc (09022015). Collection method: clinical testing. Allele origin: germline.
Comment: This sequence change creates a premature translational stop signal (p.Glu1181*) in the DSP gene. It is expected to result in an absent or disrupted protein product. Loss-of-function variants in DSP are known to be pathogenic (PMID: 20716751, 24503780, 25227139). This variant is not present in population databases (gnomAD no frequency). This premature translational stop signal has been observed in individual(s) with arrhythmogenic cardiomyopathy (PMID: 33232181). For these reasons, this variant has been classified as Pathogenic.

Literature cited by the submitters: PubMed 20716751; PubMed 24503780; PubMed 25227139; PubMed 33232181.